The following is an entry in ClinVar:

NM_002474.3(MYH11):c.2216G>T (p.Gly739Val)

Gene: MYH11 (myosin heavy chain 11; minus strand). Cytogenetic location: 16p13.11.
Variant type: single nucleotide variant.
Coding change: c.2216G>T on transcript NM_002474.3 (MANE Select); coding-DNA position 2216, G replaced by T.
Protein change: p.Gly739Val; replaces glycine 739 with valine.
Molecular consequence: missense variant.
Genome position (GRCh38, 1-based): chr16:15,747,908, C>A on the plus strand (G>T on the coding strand, the complement: MYH11 is on the minus strand). VCF-style: chr16-15747908-C-A. GRCh37 (hg19) VCF-style: chr16-15841765-C-A.
Other names: c.2237G>T, p.Gly746Val (NM_001040113.2, NM_001040114.2); c.2216G>T, p.Gly739Val (NM_022844.3); c.2216G>T (NM_002474.2); short protein forms G739V, G746V.
Identifiers: ClinVar variation 1052330 (VCV001052330.13), dbSNP rs771806682, ClinGen allele CA394867754.

ClinVar aggregate classification (germline): Uncertain significance. Review status: criteria provided, multiple submitters, no conflicts (2 of 4 stars). 5 submissions from 5 submitters: Uncertain significance (5). Last evaluated 2025-08-31.

Conditions:
Familial thoracic aortic aneurysm and aortic dissection (TAAD). Also called: Thoracic aortic aneurysms and dissections. Identifiers: Orphanet 91387, MedGen C4707243, MONDO:0019625.
Aortic aneurysm, familial thoracic 4 (AAT4). Also called: AORTIC ANEURYSM/AORTIC DISSECTION AND PATENT DUCTUS ARTERIOSUS. Identifiers: MedGen C1851504, MONDO:0007568, OMIM 132900.

gnomAD v4.1: 4 of 1,613,824 alleles (0.00025%); highest among the groups gnomAD compares: South Asian, 0.0011%; no homozygotes.

Submissions (5):

Ambry Genetics
Classification: Uncertain significance for Familial thoracic aortic aneurysm and aortic dissection. Last evaluated: 2025-08-31. Review status: criteria provided, single submitter. Criteria: Ambry Variant Classification Scheme 2023. Collection method: clinical testing. Allele origin: germline.
Comment: The p.G739V variant (also known as c.2216G>T), located in coding exon 17 of the MYH11 gene, results from a G to T substitution at nucleotide position 2216. The glycine at codon 739 is replaced by valine, an amino acid with dissimilar properties. This amino acid position is conserved. In addition, this alteration is predicted to be deleterious by in silico analysis. Based on the available evidence, the clinical significance of this variant remains unclear.

GeneDx
Classification: Uncertain significance. Last evaluated: 2024-09-04. Review status: criteria provided, single submitter. Criteria: GeneDx Variant Classification Process June 2021. Collection method: clinical testing. Allele origin: germline. Affected: yes.
Comment: Not observed at significant frequency in large population cohorts (gnomAD); In silico analysis supports that this missense variant has a deleterious effect on protein structure/function; Has not been previously published as pathogenic or benign to our knowledge

All of Us Research Program, National Institutes of Health
Classification: Uncertain significance for Familial thoracic aortic aneurysm and aortic dissection. Last evaluated: 2024-07-20. Review status: criteria provided, single submitter. Criteria: ACMG Guidelines, 2015. Collection method: clinical testing. Allele origin: germline. Inheritance: Autosomal dominant inheritance. Observed: 1 variant allele, 1 heterozygote.
Comment: This missense variant replaces glycine with valine at codon 746 of the MYH11 protein. Computational prediction suggests that this variant may have deleterious impact on protein structure and function (internally defined REVEL score threshold >= 0.7, PMID: 27666373). To our knowledge, functional studies have not been reported for this variant. This variant has not been reported in individuals affected with MYH11-related disorders in the literature. This variant has been identified in 1/251482 chromosomes in the general population by the Genome Aggregation Database (gnomAD). The available evidence is insufficient to determine the role of this variant in disease conclusively. Therefore, this variant is classified as a Variant of Uncertain Significance.

This study involves interpretation of variants in research participants for the purpose of population health screening. Participant phenotype was not available at the time of variant classification. Additional details can be found in publication PMID: 35346344, PMCID: PMC8962531

Color Diagnostics, LLC DBA Color Health
Classification: Uncertain significance for Familial thoracic aortic aneurysm and aortic dissection. Last evaluated: 2024-07-10. Review status: criteria provided, single submitter. Criteria: ACMG Guidelines, 2015. Collection method: clinical testing. Allele origin: germline.
Comment: This missense variant replaces glycine with valine at codon 746 of the MYH11 protein. Computational prediction suggests that this variant may have deleterious impact on protein structure and function (internally defined REVEL score threshold >= 0.7, PMID: 27666373). To our knowledge, functional studies have not been reported for this variant. This variant has not been reported in individuals affected with MYH11-related disorders in the literature. This variant has been identified in 1/251482 chromosomes in the general population by the Genome Aggregation Database (gnomAD). The available evidence is insufficient to determine the role of this variant in disease conclusively. Therefore, this variant is classified as a Variant of Uncertain Significance.

Labcorp Genetics (formerly Invitae), Labcorp
Classification: Uncertain significance for Aortic aneurysm, familial thoracic 4. Last evaluated: 2020-03-18. Review status: criteria provided, single submitter. Criteria: Invitae Variant Classification Sherloc (09022015). Collection method: clinical testing. Allele origin: germline.
Comment: This sequence change replaces glycine with valine at codon 746 of the MYH11 protein (p.Gly746Val). The glycine residue is highly conserved and there is a moderate physicochemical difference between glycine and valine. This variant is not present in population databases (ExAC no frequency). This variant has not been reported in the literature in individuals with MYH11-related conditions. Algorithms developed to predict the effect of missense changes on protein structure and function (SIFT, PolyPhen-2, Align-GVGD) all suggest that this variant is likely to be disruptive, but these predictions have not been confirmed by published functional studies and their clinical significance is uncertain. In summary, the available evidence is currently insufficient to determine the role of this variant in disease. Therefore, it has been classified as a Variant of Uncertain Significance.